The following is an entry in ClinVar:

NM_133379.5(TTN):c.12449T>G (p.Leu4150Trp)

Gene: TTN (titin; minus strand). Cytogenetic location: 2q31.2.
Variant type: single nucleotide variant.
Coding change: c.12449T>G on transcript NM_133379.5; coding-DNA position 12449, T replaced by G.
Protein change: p.Leu4150Trp; replaces leucine 4150 with tryptophan.
Molecular consequence: missense variant. On other transcripts: intron variant (6).
Genome position (GRCh38, 1-based): chr2:178,749,951, A>C on the plus strand (T>G on the coding strand, the complement: TTN is on the minus strand). VCF-style: chr2-178749951-A-C. GRCh37 (hg19) VCF-style: chr2-179614678-A-C.
Other names: c.10222+3173T>G (NM_003319.4); c.10798+3173T>G (NM_133437.4); c.10597+3173T>G (NM_133432.3); c.10360+3173T>G (NM_133378.4, NM_001256850.1); c.11311+3173T>G (NM_001267550.2); c.12449T>G (NM_133379.4); short protein forms L4150W.
Identifiers: ClinVar variation 192056 (VCV000192056.3), dbSNP rs201544975, ClinGen allele CA238202.
Genomic context (GRCh38, chr2:178,749,951, plus strand): 5'-CACCTGGCATGCTTTGGCATTTCTTGTAACATTTTTGGTGGTTCATTAGTAATATCAGAC[A>C]AAAATACAAATCTGTGTTTTGGTGATTGAGTAACTTGATCTTGAGGCATTGCTTTAGGTT-3'

ClinVar aggregate classification (germline): Conflicting classifications of pathogenicity. Review status: criteria provided, conflicting classifications (1 of 4 stars). 3 submissions from 3 submitters: Uncertain significance (1); Likely benign (1). 1 of the submissions does not count toward it. Last evaluated 2026-08-01.

Conditions:
TTN-related disorder. Also called: TTN-related disorders; TTN-related condition; TTN-related disease.

Allele frequency attached by ClinVar (database versions not stated): ExAC 0.00001; gnomAD exomes 0.00003 and 0.00013; gnomAD 0.00008; TOPMed 0.00011.

Submissions (3):

CeGaT Center for Human Genetics Tuebingen
Classification: Likely benign. Last evaluated: 2026-08-01. Review status: criteria provided, single submitter. Criteria: CeGaT Center For Human Genetics Tuebingen Variant Classification Criteria Version 2. Collection method: clinical testing. Allele origin: germline. Affected: yes. Observed: 1 variant allele.
Comment: TTN: BP4

Biesecker Lab/Clinical Genomics Section, National Institutes of Health
Classification: Uncertain significance. Last evaluated: 2013-06-24. Review status: criteria provided, single submitter. Criteria: Ng et al. (Circ Cardiovasc Genet. 2013). Collection method: research. Allele origin: unknown. Observed: 1 variant allele. Study: ClinSeq.
Comment: The study set was not selected for affection status in relation to any cancer. Pathogenicity categories were based on literature curation. See Pubmed ID:23861362 for details.

Medical sequencing

PreventionGenetics, part of Exact Sciences
Classification: Uncertain significance for TTN-related condition. Last evaluated: 2024-05-01. Review status: no assertion criteria provided. Collection method: clinical testing. Allele origin: germline. Not counted in ClinVar's aggregate classification.
Comment: The TTN c.12449T>G variant is predicted to result in the amino acid substitution p.Leu4150Trp. This variant is referred to as c.11311+3173T>G (intronic) with an alternate transcript NM_001267550. To our knowledge, this variant has not been reported in individuals with TTN-related disorders in the literature. This variant is reported in 0.0062% of alleles in individuals of European (Non-Finnish) descent in gnomAD. At this time, the clinical significance of this variant is uncertain due to the absence of conclusive functional and genetic evidence.